The following is an entry in ClinVar:

NM_000135.4(FANCA):c.3442C>G (p.Pro1148Ala)

Gene: FANCA (FA complementation group A; minus strand). Cytogenetic location: 16q24.3.
Variant type: single nucleotide variant.
Coding change: c.3442C>G on transcript NM_000135.4 (MANE Select); coding-DNA position 3442, C replaced by G.
Protein change: p.Pro1148Ala; replaces proline 1148 with alanine.
Molecular consequence: missense variant.
Genome position (GRCh38, 1-based): chr16:89,746,655, G>C on the plus strand (C>G on the coding strand, the complement: FANCA is on the minus strand). VCF-style: chr16-89746655-G-C. GRCh37 (hg19) VCF-style: chr16-89813063-G-C.
Other names: c.3442C>G, p.Pro1148Ala (NM_001286167.3); short protein forms P1148A.
Identifiers: ClinVar variation 4870867 (VCV004870867.1).
Genomic context (GRCh38, chr16:89,746,655, plus strand): 5'-TCAAAATTAAGGGGCATTTCGTCTGGCACTTGGCCAGTATGAAGTCGACCATCAGGGAGG[G>C]GTCTCTGCTCCGCAGACAGGCGTTCAGGAGGCCCTGCAGGAGAGAACGCAGCAGGAGGTC-3'
Protein context (NP_000126.2, residues 1138-1158): LLNACLRSRD[Pro1148Ala]SLMVDFILAK

ClinVar aggregate classification (germline): Uncertain significance (1 of 4 stars; one submission).

Conditions:
Inborn genetic diseases. Identifiers: MedGen C0950123, MeSH D030342.

gnomAD v4.1: 1 of 1,614,144 alleles (0.000062%); highest among the groups gnomAD compares: South Asian, 0.0011%; no homozygotes.

Submission:

Ambry Genetics
Classification: Uncertain significance for Inborn genetic diseases. Last evaluated: 2026-05-14. Review status: criteria provided, single submitter. Criteria: Ambry Variant Classification Scheme 2023. Collection method: clinical testing. Allele origin: germline.
Comment: The p.P1148A variant (also known as c.3442C>G), located in coding exon 35 of the FANCA gene, results from a C to G substitution at nucleotide position 3442. The proline at codon 1148 is replaced by alanine, an amino acid with highly similar properties. This amino acid position is conserved. In addition, the in silico prediction for this alteration is inconclusive. Based on the available evidence, the clinical significance of this variant remains unclear.